The following is an entry in ClinVar:

NM_012123.4(MTO1):c.1067A>C (p.Glu356Ala)

Gene: MTO1 (mitochondrial tRNA translation optimization 1; plus strand). Cytogenetic location: 6q13.
Variant type: single nucleotide variant.
Coding change: c.1067A>C on transcript NM_012123.4 (MANE Select); coding-DNA position 1067, A replaced by C.
Protein change: p.Glu356Ala; replaces glutamic acid 356 with alanine.
Molecular consequence: missense variant.
Genome position (GRCh38, 1-based): chr6:73,480,064, A>C. VCF-style: chr6-73480064-A-C. GRCh37 (hg19) VCF-style: chr6-74189787-A-C.
Other names: c.1067A>C, p.Glu356Ala (NM_001123226.2, NM_133645.3); short protein forms E356A.
Identifiers: ClinVar variation 1432326 (VCV001432326.7), dbSNP rs921979740, ClinGen allele CA140961241.

ClinVar aggregate classification (germline): Uncertain significance (1 of 4 stars; one submission).

Conditions:
Mitochondrial hypertrophic cardiomyopathy with lactic acidosis due to MTO1 deficiency. Also called: CARDIOMYOPATHY, INFANTILE HYPERTROPHIC MITOCHONDRIAL, AND LACTIC ACIDOSIS; Combined oxidative phosphorylation deficiency 10. Identifiers: Orphanet 314637, MedGen C4749921, MONDO:0013865, OMIM 614702.

Allele frequency attached by ClinVar (database versions not stated): gnomAD 0.00001; TOPMed 0.00001.

Submission:

Labcorp Genetics (formerly Invitae), Labcorp
Classification: Uncertain significance for Mitochondrial hypertrophic cardiomyopathy with lactic acidosis due to MTO1 deficiency. Last evaluated: 2022-08-15. Review status: criteria provided, single submitter. Criteria: Invitae Variant Classification Sherloc (09022015). Collection method: clinical testing. Allele origin: germline.
Comment: In summary, the available evidence is currently insufficient to determine the role of this variant in disease. Therefore, it has been classified as a Variant of Uncertain Significance. Algorithms developed to predict the effect of missense changes on protein structure and function are either unavailable or do not agree on the potential impact of this missense change (SIFT: "Deleterious"; PolyPhen-2: "Possibly Damaging"; Align-GVGD: "Class C0"). ClinVar contains an entry for this variant (Variation ID: 1432326). This variant has not been reported in the literature in individuals affected with MTO1-related conditions. This variant is not present in population databases (gnomAD no frequency). This sequence change replaces glutamic acid, which is acidic and polar, with alanine, which is neutral and non-polar, at codon 356 of the MTO1 protein (p.Glu356Ala).